The following is an entry in ClinVar:

ClinVar aggregate classification (germline): Uncertain significance. Review status: criteria provided, multiple submitters, no conflicts (2 of 4 stars). 2 submissions from 2 submitters: Uncertain significance (2). Last evaluated 2026-07-28.

Conditions:
MORC2-related disorder. Also called: MORC2-related condition.

gnomAD v4.1: 3 of 1,614,118 alleles (0.00019%); highest among the groups gnomAD compares: Non-Finnish European, 0.000085%; no homozygotes.

Submissions (2):

PreventionGenetics, part of Exact Sciences
Classification: Uncertain significance for MORC2-related condition. Last evaluated: 2026-07-28. Review status: criteria provided, single submitter. Criteria: ACMG Guidelines, 2015. Collection method: clinical testing. Allele origin: germline.
Comment: The MORC2 c.888G>T variant is predicted to result in the amino acid substitution p.Glu296Asp. To our knowledge, this variant has not been reported in the literature or in a large population database (gnomAD), indicating this variant is rare. At this time, the clinical significance of this variant is uncertain due to the absence of conclusive functional and genetic evidence.

Women's Health and Genetics/Laboratory Corporation of America, LabCorp
Classification: Uncertain significance. Last evaluated: 2025-11-06. Review status: criteria provided, single submitter. Criteria: LabCorp Variant Classification Summary - May 2015. Collection method: clinical testing. Allele origin: germline.
Comment: Variant summary: MORC2 c.888G>T (p.Glu296Asp) results in a conservative amino acid change in the encoded protein sequence. Algorithms developed to predict the effect of missense changes on protein structure and function are either unavailable or do not agree on the potential impact of this missense change. The variant was absent in 251456 control chromosomes. The available data on variant occurrences in the general population are insufficient to allow any conclusion about variant significance. To our knowledge, no occurrence of c.888G>T in individuals affected with MORC2-related conditions and no experimental evidence demonstrating its impact on protein function have been reported. No submitters have cited clinical-significance assessments for this variant to ClinVar. Based on the evidence outlined above, the variant was classified as uncertain significance.

NM_001303256.3(MORC2):c.888G>T (p.Glu296Asp)

Gene: MORC2 (MORC family CW-type zinc finger 2; minus strand). Cytogenetic location: 22q12.2.
Variant type: single nucleotide variant.
Coding change: c.888G>T on transcript NM_001303256.3 (MANE Select); coding-DNA position 888, G replaced by T.
Protein change: p.Glu296Asp; replaces glutamic acid 296 with aspartic acid.
Molecular consequence: missense variant.
Genome position (GRCh38, 1-based): chr22:30,940,774, C>A on the plus strand (G>T on the coding strand, the complement: MORC2 is on the minus strand). VCF-style: chr22-30940774-C-A. GRCh37 (hg19) VCF-style: chr22-31336761-C-A.
Other names: c.888G>T, p.Glu296Asp (NM_001303257.2); c.702G>T, p.Glu234Asp (NM_014941.3); c.888G>T (NM_001303256.2); short protein forms E234D, E296D.
Identifiers: ClinVar variation 4537015 (VCV004537015.2).